The following is an entry in ClinVar:

ClinVar aggregate classification (germline): Uncertain significance (1 of 4 stars; one submission).

Conditions:
Hereditary cancer-predisposing syndrome. Also called: Neoplastic Syndromes, Hereditary; Tumor predisposition; Hereditary neoplastic syndrome; Hereditary Cancer Syndrome. Identifiers: Orphanet 140162, MedGen C0027672, MeSH D009386, MONDO:0015356.

Submission:

Ambry Genetics
Classification: Uncertain significance for Hereditary cancer-predisposing syndrome. Last evaluated: 2024-03-28. Review status: criteria provided, single submitter. Criteria: Ambry Variant Classification Scheme 2023. Collection method: clinical testing. Allele origin: germline.
Comment: The p.E1120K variant (also known as c.3358G>A), located in coding exon 21 of the TSC1 gene, results from a G to A substitution at nucleotide position 3358. The glutamic acid at codon 1120 is replaced by lysine, an amino acid with similar properties. This amino acid position is conserved. In addition, this alteration is predicted to be deleterious by in silico analysis. Based on the available evidence, the clinical significance of this alteration remains unclear.

NM_000368.5(TSC1):c.3358G>A (p.Glu1120Lys)

Gene: TSC1 (TSC complex subunit 1; minus strand). Cytogenetic location: 9q34.13.
Variant type: single nucleotide variant.
Coding change: c.3358G>A on transcript NM_000368.5 (MANE Select); coding-DNA position 3358, G replaced by A.
Protein change: p.Glu1120Lys; replaces glutamic acid 1120 with lysine.
Molecular consequence: missense variant. On other transcripts: non-coding transcript variant (5).
Genome position (GRCh38, 1-based): chr9:132,896,372, C>T on the plus strand (G>A on the coding strand, the complement: TSC1 is on the minus strand). VCF-style: chr9-132896372-C-T. GRCh37 (hg19) VCF-style: chr9-135771759-C-T.
Other names: c.3205G>A, p.Glu1069Lys (NM_001162427.2, NM_001406610.1); c.2995G>A, p.Glu999Lys (NM_001362177.2, NM_001406614.1, NM_001406615.1 and 4 more transcripts); c.3358G>A, p.Glu1120Lys (NM_001406592.1, NM_001406593.1, NM_001406594.1 and 2 more transcripts); c.3355G>A, p.Glu1119Lys (NM_001406597.1, NM_001406598.1, NM_001406599.1 and 2 more transcripts); c.3343G>A, p.Glu1115Lys (NM_001406601.1, NM_001406602.1); c.3340G>A, p.Glu1114Lys (NM_001406603.1, NM_001406604.1); c.3316G>A, p.Glu1106Lys (NM_001406605.1, NM_001406606.1, NM_001406607.1); c.3313G>A, p.Glu1105Lys (NM_001406608.1, NM_001406609.1); and 8 more; short protein forms E1105K, E1106K, E802K, E1054K, E1114K, E1115K, E803K, E985K.
Identifiers: ClinVar variation 3329391 (VCV003329391.1).
Genomic context (GRCh38, chr9:132,896,372, plus strand): 5'-GGTGAGGGCCATCTAGGTTCAGGGGAATCTTGGCTTCCACACCCAAGTCTTTGCCCAGTT[C>T]TGTCTTTAGGCTCTCAGAAAGGCTACTGGTCATGCCGTCCTCATCACACTGGCTCTCGCT-3'
Protein context (NP_000359.1, residues 1110-1130): TSSLSESLKT[Glu1120Lys]LGKDLGVEAK